The following is an entry in ClinVar:

NM_000053.4(ATP7B):c.4358C>T (p.Ser1453Phe)

Gene: ATP7B (ATPase copper transporting beta; minus strand). Cytogenetic location: 13q14.3.
Variant type: single nucleotide variant.
Coding change: c.4358C>T on transcript NM_000053.4 (MANE Select); coding-DNA position 4358, C replaced by T.
Protein change: p.Ser1453Phe; replaces serine 1453 with phenylalanine.
Molecular consequence: missense variant.
Genome position (GRCh38, 1-based): chr13:51,934,796, G>A on the plus strand (C>T on the coding strand, the complement: ATP7B is on the minus strand). VCF-style: chr13-51934796-G-A. GRCh37 (hg19) VCF-style: chr13-52508932-G-A.
Other names: c.4262C>T, p.Ser1421Phe (NM_001406517.1, NM_001406518.1); c.4223C>T, p.Ser1408Phe (NM_001406519.1); c.4214C>T, p.Ser1405Phe (NM_001406520.1, NM_001406521.1, NM_001406522.1); c.4175C>T, p.Ser1392Phe (NM_001406523.1); c.4181C>T, p.Ser1394Phe (NM_001406524.1); c.4163C>T, p.Ser1388Phe (NM_001406525.1); c.4154C>T, p.Ser1385Phe (NM_001406526.1); c.4124C>T, p.Ser1375Phe (NM_001406527.1, NM_001406528.1, NM_001330578.2); and 21 more; short protein forms S1023F, S1172F, S1226F, S1237F, S1246F, S1259F, S1289F, S1291F.
Identifiers: ClinVar variation 4756275 (VCV004756275.1).
Genomic context (GRCh38, chr13:51,934,796, plus strand): 5'-GGCCCGCCTGCCTGAAGTCATCAGATGTACTGCTCCTCATCCCTGCCATTCAGGAGCAGA[G>A]ACCACTTGTCCCCATCATCGTCTGCTGCAGCGCTGTGCCGAGATGGCTTGTCGGACGTCA-3'
Protein context (NP_000044.2, residues 1443-1463): AAADDDGDKW[Ser1453Phe]LLLNGRDEEQ

ClinVar aggregate classification (germline): Uncertain significance (1 of 4 stars; one submission).

Conditions:
Wilson disease (WND). Also called: Wilson's disease. Identifiers: Orphanet 905, MedGen C0019202, MONDO:0010200, OMIM 277900. Disease mechanism: loss of function.

gnomAD v4.1: 3 of 1,614,152 alleles (0.00019%); highest among the groups gnomAD compares: Non-Finnish European, 0.00025%; no homozygotes.

Submission:

Color Diagnostics, LLC DBA Color Health
Classification: Uncertain significance for Wilson disease. Last evaluated: 2025-09-01. Review status: criteria provided, single submitter. Criteria: ACMG Guidelines, 2015. Collection method: clinical testing. Allele origin: germline.
Comment: This missense variant replaces serine with phenylalanine at codon 1453 of the ATP7B protein. Computational prediction is inconclusive regarding the impact of this variant on protein structure and function. To our knowledge, functional studies have not been reported for this variant. This variant has not been reported in individuals affected with ATP7B-related disorders in the literature. This variant has been identified in 1/249456 chromosomes in the general population by the Genome Aggregation Database (gnomAD). The available evidence is insufficient to determine the role of this variant in disease conclusively. Therefore, this variant is classified as a Variant of Uncertain Significance.